The following is an entry in ClinVar:

NM_001256317.3(TMPRSS3):c.1196A>T (p.Asp399Val)

Gene: TMPRSS3 (transmembrane serine protease 3; minus strand). Cytogenetic location: 21q22.3.
Variant type: single nucleotide variant.
Coding change: c.1196A>T on transcript NM_001256317.3 (MANE Select); coding-DNA position 1196, A replaced by T.
Protein change: p.Asp399Val; replaces aspartic acid 399 with valine.
Molecular consequence: missense variant.
Genome position (GRCh38, 1-based): chr21:42,375,864, T>A on the plus strand (A>T on the coding strand, the complement: TMPRSS3 is on the minus strand). VCF-style: chr21-42375864-T-A. GRCh37 (hg19) VCF-style: chr21-43795973-T-A.
Other names: c.1199A>T, p.Asp400Val (NM_024022.4); c.818A>T, p.Asp273Val (NM_032404.3); short protein forms D273V, D399V, D400V.
Identifiers: ClinVar variation 3601930 (VCV003601930.1).

ClinVar aggregate classification (germline): Likely pathogenic (1 of 4 stars; one submission).

Conditions:
Autosomal recessive nonsyndromic hearing loss 8 (DFNB8). Also called: NEUROSENSORY NONSYNDROMIC RECESSIVE DEAFNESS 8; Deafness, autosomal recessive 10. Identifiers: Orphanet 90636, MedGen C1832827, MONDO:0010987, OMIM 601072.

Submission:

Institute of Rare Diseases, West China Hospital, Sichuan University
Classification: Likely pathogenic for Autosomal recessive nonsyndromic hearing loss 8. Last evaluated: 2025-01-09. Review status: criteria provided, single submitter. Criteria: ClinGen HL ACMG Specifications v1. Collection method: research. Allele origin: germline. Affected: yes.
Comment: PM3;PM5;PM2_Supporting;PP3